The following is an entry in ClinVar:

ClinVar aggregate classification (germline): Likely pathogenic (1 of 4 stars; one submission).

Conditions:
Cardiovascular phenotype. Identifiers: MedGen CN230736.

Submission:

Ambry Genetics
Classification: Likely pathogenic for Cardiovascular phenotype. Last evaluated: 2024-11-20. Review status: criteria provided, single submitter. Criteria: Ambry Variant Classification Scheme 2023. Collection method: clinical testing. Allele origin: germline.
Comment: The p.H328Q variant (also known as c.984C>G), located in coding exon 6 of the ACVRL1 gene, results from a C to G substitution at nucleotide position 984. The histidine at codon 328 is replaced by glutamine, an amino acid with highly similar properties. This variant and another variant resulting in the same amino acid change (c.984C>A) have been detected in individuals with features consistent with hereditary hemorrhagic telangiectasia (Richards-Yutz J et al. Hum Genet, 2010 Jul;128:61-77; Ambry internal data). This amino acid position is highly conserved in available vertebrate species. In addition, this alteration is predicted to be deleterious by in silico analysis. This variant is considered to be rare based on population cohorts in the Genome Aggregation Database (gnomAD). Based on the majority of available evidence to date, this variant is likely to be pathogenic.

Literature cited by the submitters: PubMed 20414677.

NM_000020.3(ACVRL1):c.984C>G (p.His328Gln)

Gene: ACVRL1 (activin A receptor like type 1; plus strand). Cytogenetic location: 12q13.13.
Variant type: single nucleotide variant.
Coding change: c.984C>G on transcript NM_000020.3 (MANE Select); coding-DNA position 984, C replaced by G.
Protein change: p.His328Gln; replaces histidine 328 with glutamine.
Molecular consequence: missense variant.
Genome position (GRCh38, 1-based): chr12:51,915,436, C>G. VCF-style: chr12-51915436-C-G. GRCh37 (hg19) VCF-style: chr12-52309220-C-G.
Other names: c.984C>G, p.His328Gln (NM_001077401.2, NM_001406487.1, NM_001406488.1 and 1 more transcripts); c.672C>G, p.His224Gln (NM_001406490.1, NM_001406491.1, NM_001406492.1 and 2 more transcripts); c.420C>G, p.His140Gln (NM_001406495.1); short protein forms H140Q, H224Q, H328Q.
Identifiers: ClinVar variation 3485591 (VCV003485591.1).